The following is an entry in ClinVar:

NM_001845.6(COL4A1):c.2330T>C (p.Leu777Pro)

Gene: COL4A1 (collagen type IV alpha 1 chain; minus strand). Cytogenetic location: 13q34.
Variant type: single nucleotide variant.
Coding change: c.2330T>C on transcript NM_001845.6 (MANE Select); coding-DNA position 2330, T replaced by C.
Protein change: p.Leu777Pro; replaces leucine 777 with proline.
Molecular consequence: missense variant.
Genome position (GRCh38, 1-based): chr13:110,179,285, A>G on the plus strand (T>C on the coding strand, the complement: COL4A1 is on the minus strand). VCF-style: chr13-110179285-A-G. GRCh37 (hg19) VCF-style: chr13-110831632-A-G.
Other names: short protein forms L777P.
Identifiers: ClinVar variation 2008223 (VCV002008223.4), dbSNP rs1878035769, ClinGen allele CA388668553.
Genomic context (GRCh38, chr13:110,179,285, plus strand): 5'-CACATCCTGTCCTCGAAACCCTCCAGACTGATCTGCATGAAGTTACCTCTGATCCCCTGA[A>G]GCCCAGGGGGTCCGATCGCTCCATGTTCTCCAGGAACGCCTGGTACCCCAATGCTCCCCT-3'
Protein context (NP_001836.3, residues 767-787): GEHGAIGPPG[Leu777Pro]QGIRGEPGPP

ClinVar aggregate classification (germline): Uncertain significance (1 of 4 stars; one submission).

gnomAD v4.1: 1 of 1,614,020 alleles (0.000062%); highest among the groups gnomAD compares: Non-Finnish European, 0.000085%; no homozygotes.

Submission:

Labcorp Genetics (formerly Invitae), Labcorp
Classification: Uncertain significance. Last evaluated: 2022-07-02. Review status: criteria provided, single submitter. Criteria: Invitae Variant Classification Sherloc (09022015). Collection method: clinical testing. Allele origin: germline.
Comment: In summary, the available evidence is currently insufficient to determine the role of this variant in disease. Therefore, it has been classified as a Variant of Uncertain Significance. Advanced modeling of protein sequence and biophysical properties (such as structural, functional, and spatial information, amino acid conservation, physicochemical variation, residue mobility, and thermodynamic stability) performed at Invitae indicates that this missense variant is not expected to disrupt COL4A1 protein function. This variant has not been reported in the literature in individuals affected with COL4A1-related conditions. This variant is not present in population databases (gnomAD no frequency). This sequence change replaces leucine, which is neutral and non-polar, with proline, which is neutral and non-polar, at codon 777 of the COL4A1 protein (p.Leu777Pro).